The following is an entry in ClinVar:

ClinVar aggregate classification (germline): Conflicting classifications of pathogenicity. Review status: criteria provided, conflicting classifications (1 of 4 stars). 5 submissions from 5 submitters: Pathogenic (1); Likely pathogenic (1); Uncertain significance (3). Last evaluated 2025-09-16.

Conditions:
POLE-related disorder. Also called: POLE-related condition; POLE-related disorders.
Hereditary cancer-predisposing syndrome. Also called: Tumor predisposition; Hereditary Cancer Syndrome; Hereditary neoplastic syndrome; Neoplastic Syndromes, Hereditary. Identifiers: Orphanet 140162, MedGen C0027672, MeSH D009386, MONDO:0015356.

Allele frequency attached by ClinVar (database versions not stated): gnomAD exomes below 0.00001 and 0.00001; ExAC 0.00001; gnomAD 0.00001; TOPMed 0.00002; ESP Exome Variant Server 0.00008.
gnomAD v4.1: 13 of 1,608,584 alleles (0.00081%); highest among the groups gnomAD compares: African/African-American, 0.0027%; no homozygotes.

Submissions (5):

Labcorp Genetics (formerly Invitae), Labcorp
Classification: Pathogenic. Last evaluated: 2025-09-16. Review status: criteria provided, single submitter. Criteria: Invitae Variant Classification Sherloc (09022015). Collection method: clinical testing. Allele origin: germline.
Comment: This sequence change creates a premature translational stop signal (p.Arg1125*) in the POLE gene. It is expected to result in an absent or disrupted protein product. Loss-of-function variants in POLE are known to be pathogenic (PMID: 23230001, 25948378, 30503519). This variant is present in population databases (rs139603739, gnomAD 0.007%). This variant has not been reported in the literature in individuals affected with POLE-related conditions. ClinVar contains an entry for this variant (Variation ID: 421197). For these reasons, this variant has been classified as Pathogenic.

Ambry Genetics
Classification: Uncertain significance for Hereditary cancer-predisposing syndrome. Last evaluated: 2025-07-24. Review status: criteria provided, single submitter. Criteria: Ambry Variant Classification Scheme 2023. Collection method: clinical testing. Allele origin: germline.
Comment: The p.R1125* variant (also known as c.3373C>T), located in coding exon 27 of the POLE gene, results from a C to T substitution at nucleotide position 3373. This changes the amino acid from an arginine to a stop codon within coding exon 27. This alteration is expected to result in loss of function by premature protein truncation or nonsense-mediated mRNA decay. Although biallelic loss of function of POLE has been associated with autosomal recessive POLE deficiency, haploinsufficiency of POLE has not been established as a mechanism of disease for POLE-related polymerase proofreading-associated polyposis (PPAP) and POLE-related CMMRD-like syndrome. Based on the supporting evidence, this variant is expected to be causative of POLE deficiency when present along with a second pathogenic variant on the other allele; however, its clinical significance for PPAP and POLE-related CMMRD-like syndrome is unclear.

Revvity Omics, Revvity
Classification: Uncertain significance. Last evaluated: 2024-11-05. Review status: criteria provided, single submitter. Criteria: ACMG Guidelines, 2015. Collection method: clinical testing. Allele origin: germline.

Blueprint Genetics
Classification: Likely pathogenic for POLE-related disorders. Last evaluated: 2018-12-28. Review status: criteria provided, single submitter. Criteria: ACMG Guidelines, 2015. Collection method: clinical testing. Allele origin: germline. Affected: yes. Observed: 2 variant alleles.

GeneDx
Classification: Uncertain significance. Last evaluated: 2016-05-12. Review status: criteria provided, single submitter. Criteria: GeneDx Variant Classification (06012015). Collection method: clinical testing. Allele origin: germline. Affected: yes.
Comment: This variant is denoted POLE c.3373C>T at the cDNA level and p.Arg1125Ter (R1125X) at the protein level. The substitution creates a nonsense variant, which changes an Arginine to a premature stop codon (CGA>TGA), and is predicted to cause loss of normal protein function through either protein truncation or nonsense-mediated mRNA decay. While some missense variants in POLE have been recognized as an underlying cause of Polymerase Proofreading-Associated Polyposis (PPAP), there are no data at this time to support that loss-of-function variants confer the same cancer risks. We therefore consider POLE Arg1125Ter to be a variant of uncertain significance with respect to cancer. To date, the majority of publications regarding POLE and colorectal cancer risk are confined to missense variants within the exonuclease domain (Palles 2013, Spier 2015). However, a splice variant and a frameshift variant have been reported. Pachlopnik Schmid et al. (2012) observed a splice variant at the +3 position in intron 34, in the homozygous state, in 11 family members with facial dysmorphism, immunodeficiency, livedo, and short stature (FILS) from a large consanguineous family; however, they noted that all heterozygous carriers were asymptomatic and did not have a history of cancer. As described above, facial dysmorphism, immunodeficiency, livedo, and short stature (FILS) appears to be a rare autosomal recessive condition associated with two loss-of-function variants in POLE (Pachlopnik Schmid 2012). For individuals and family members of reproductive age, assessment of the reproductive risk associated with being a carrier of a loss of function POLE variant may be considered.

Literature cited by the submitters: PubMed 23230001 (cited by Labcorp Genetics (formerly Invitae), Labcorp); PubMed 25948378 (cited by Labcorp Genetics (formerly Invitae), Labcorp); PubMed 30503519 (cited by Labcorp Genetics (formerly Invitae), Labcorp).

NM_006231.4(POLE):c.3373C>T (p.Arg1125Ter)

Gene: POLE (DNA polymerase epsilon, catalytic subunit; minus strand). Cytogenetic location: 12q24.33.
Variant type: single nucleotide variant.
Coding change: c.3373C>T on transcript NM_006231.4 (MANE Select); coding-DNA position 3373, C replaced by T.
Protein change: p.Arg1125Ter; replaces arginine 1125 with a stop codon.
Molecular consequence: nonsense.
Genome position (GRCh38, 1-based): chr12:132,657,873, G>A on the plus strand (C>T on the coding strand, the complement: POLE is on the minus strand). VCF-style: chr12-132657873-G-A. GRCh37 (hg19) VCF-style: chr12-133234459-G-A.
Other names: short protein forms R1125*.
Identifiers: ClinVar variation 421197 (VCV000421197.23), dbSNP rs139603739, ClinGen allele CA6893269.
Genomic context (GRCh38, chr12:132,657,873, plus strand): 5'-TCTGTCTAGCTTTCCTTGTAAACTTTTAAGAGTAGAGAACGCAACTGGCACTCACTGCTC[G>A]AATATCAAAGTCTTGAAGGGAAGAGCTCTTGAGCCATTTCCGGAGAAAGTGCTTCCTCAC-3'